The following is an entry in ClinVar:

ClinVar aggregate classification (germline): Uncertain significance (1 of 4 stars; one submission).

Submission:

GeneDx
Classification: Uncertain significance. Last evaluated: 2022-01-14. Review status: criteria provided, single submitter. Criteria: GeneDx Variant Classification Process June 2021. Collection method: clinical testing. Allele origin: germline. Affected: yes.
Comment: Not observed at significant frequency in large population cohorts (gnomAD); Normal stop codon changed to a Tyrosine codon, leading to the addition of 83 amino acids at the C-terminus; Has not been previously published as pathogenic or benign to our knowledge

NM_001127644.2(GABRA1):c.1371G>T (p.Ter457Tyr)

Gene: GABRA1 (gamma-aminobutyric acid type A receptor subunit alpha1; plus strand). Cytogenetic location: 5q34.
Variant type: single nucleotide variant.
Coding change: c.1371G>T on transcript NM_001127644.2 (MANE Select); coding-DNA position 1371, G replaced by T.
Protein change: p.Ter457Tyr.
Molecular consequence: stop lost.
Genome position (GRCh38, 1-based): chr5:161,897,422, G>T. VCF-style: chr5-161897422-G-T. GRCh37 (hg19) VCF-style: chr5-161324428-G-T.
Other names: c.1371G>T, p.Ter457Tyr (NM_000806.5, NM_001127643.2, NM_001127645.2 and 1 more transcripts).
Identifiers: ClinVar variation 1697041 (VCV001697041.2), dbSNP rs2113470834, ClinGen allele CA362181434.